The following is an entry in ClinVar:

ClinVar aggregate classification (germline): Uncertain significance. Review status: criteria provided, single submitter (1 of 4 stars). 2 submissions from 2 submitters: Uncertain significance (1). 1 of the submissions does not count toward it. Last evaluated 2021-10-01.

Conditions:
EP300-related disorder. Also called: EP300-related condition; EP300-related disorders.

Submissions (2):

Blueprint Genetics
Classification: Uncertain significance. Last evaluated: 2021-10-01. Review status: criteria provided, single submitter. Criteria: ACMG Guidelines, 2015. Collection method: clinical testing. Allele origin: germline.

PreventionGenetics, part of Exact Sciences
Classification: Uncertain significance for EP300-related condition. Last evaluated: 2024-04-25. Review status: no assertion criteria provided. Collection method: clinical testing. Allele origin: germline. Not counted in ClinVar's aggregate classification.
Comment: The EP300 c.6184_6192dup9 variant is predicted to result in an in-frame duplication (p.Ser2062_Pro2064dup). To our knowledge, this variant has not been reported in the literature. Although this variant is absent from the gnomAD v2 database (as displayed in the table above), in gnomAD v4 (available only on GRCh38), this variant is reported in 0.0002% of alleles in a subpopulation, i.e., 2 heterozygous individuals of unknown phenotype. Other in-frame variants have been reported as causative for EP300-related disorders (Fergelot. 2016. PubMed ID: 27648933). At this time, the clinical significance of this variant is uncertain due to the absence of conclusive functional and genetic evidence.

NM_001429.4(EP300):c.6184_6192dup (p.Pro2064_Leu2065insSerSerPro)

Gene: EP300 (EP300 lysine acetyltransferase; plus strand). Cytogenetic location: 22q13.2.
Variant type: Duplication.
Coding change: c.6184_6192dup on transcript NM_001429.4 (MANE Select); coding-DNA positions 6184 to 6192, 9 bases duplicated (AGCTCTCCC; older notation c.6184_6192dupAGCTCTCCC).
Protein change: p.Pro2064_Leu2065insSerSerPro.
Molecular consequence: inframe insertion.
Genome position (GRCh38, 1-based): chr22:41,177,895-41,177,903, AGCTCTCCC duplicated; duplicating any 9 consecutive bases within chr22:41,177,889-41,177,903 gives the same sequence; the c. name uses the placement nearest the transcript's 3' end. VCF-style (leftmost placement, unchanged base first): chr22-41177888-G-GTCTCCCAGC. GRCh37 (hg19) VCF-style: chr22-41573892-G-GTCTCCCAGC.
Other names: c.6106_6114dup, p.Pro2038_Leu2039insSerSerPro (NM_001362843.2).
Identifiers: ClinVar variation 3345683 (VCV003345683.2).